The following is an entry in ClinVar:

ClinVar aggregate classification (germline): Uncertain significance. Review status: criteria provided, multiple submitters, no conflicts (2 of 4 stars). 3 submissions from 3 submitters: Uncertain significance (2). 1 of the submissions does not count toward it. Last evaluated 2021-01-21.

Conditions:
ZNF469-related disorder. Also called: ZNF469-related condition.

Allele frequency attached by ClinVar (database versions not stated): gnomAD 0.00001; TOPMed 0.00001.
gnomAD v4.1: 9 of 1,547,616 alleles (0.00058%); highest among the groups gnomAD compares: Non-Finnish European, 0.00079%; no homozygotes.

Submissions (3):

GeneDx
Classification: Uncertain significance. Last evaluated: 2021-01-21. Review status: criteria provided, single submitter. Criteria: GeneDx Variant Classification Process June 2021. Collection method: clinical testing. Allele origin: germline. Affected: yes.
Comment: Not observed at a significant frequency in large population cohorts (Lek et al., 2016); In silico analysis supports that this missense variant has a deleterious effect on protein structure/function; Has not been previously published as pathogenic or benign to our knowledge

CeGaT Center for Human Genetics Tuebingen
Classification: Uncertain significance. Last evaluated: 2017-10-01. Review status: criteria provided, single submitter. Criteria: CeGaT Center For Human Genetics Tuebingen Variant Classification Criteria Version 2. Collection method: clinical testing. Allele origin: germline. Affected: yes. Observed: 1 variant allele.

PreventionGenetics, part of Exact Sciences
Classification: Uncertain significance for ZNF469-related condition. Last evaluated: 2024-08-22. Review status: no assertion criteria provided. Collection method: clinical testing. Allele origin: germline. Not counted in ClinVar's aggregate classification.
Comment: The ZNF469 c.1346C>T variant is predicted to result in the amino acid substitution p.Pro449Leu. To our knowledge, this variant has not been reported in the literature. This variant is reported in 0.0037% of alleles in individuals of European (Non-Finnish) descent in gnomAD. At this time, the clinical significance of this variant is uncertain due to the absence of conclusive functional and genetic evidence.

NM_001367624.2(ZNF469):c.1346C>T (p.Pro449Leu)

Gene: ZNF469 (zinc finger protein 469; plus strand). Cytogenetic location: 16q24.2.
Variant type: single nucleotide variant.
Coding change: c.1346C>T on transcript NM_001367624.2 (MANE Select); coding-DNA position 1346, C replaced by T.
Protein change: p.Pro449Leu; replaces proline 449 with leucine.
Molecular consequence: missense variant.
Genome position (GRCh38, 1-based): chr16:88,428,816, C>T. VCF-style: chr16-88428816-C-T. GRCh37 (hg19) VCF-style: chr16-88495224-C-T.
Other names: NM_001127464.1:c.1346C>T; NM_001127464.2:c.1346C>T; short protein forms P449L.
Identifiers: ClinVar variation 493197 (VCV000493197.45), dbSNP rs1388799029, ClinGen allele CA397066228.